The following is an entry in ClinVar:

ClinVar aggregate classification (germline): Uncertain significance (1 of 4 stars; one submission).

gnomAD v4.1: 2 of 1,611,690 alleles (0.00012%); highest among the groups gnomAD compares: South Asian, 0.0011%; no homozygotes.

Submission:

Labcorp Genetics (formerly Invitae), Labcorp
Classification: Uncertain significance. Last evaluated: 2021-07-07. Review status: criteria provided, single submitter. Criteria: Invitae Variant Classification Sherloc (09022015). Collection method: clinical testing. Allele origin: germline.
Comment: This sequence change replaces glutamine with histidine at codon 421 of the CTNNA1 protein (p.Gln421His). The glutamine residue is highly conserved and there is a small physicochemical difference between glutamine and histidine. This variant is not present in population databases (ExAC no frequency). This variant has not been reported in the literature in individuals affected with CTNNA1-related conditions. Algorithms developed to predict the effect of missense changes on protein structure and function are either unavailable or do not agree on the potential impact of this missense change (SIFT: "Deleterious"; PolyPhen-2: "Benign"; Align-GVGD: "Class C0"). In summary, the available evidence is currently insufficient to determine the role of this variant in disease. Therefore, it has been classified as a Variant of Uncertain Significance.

NM_001903.5(CTNNA1):c.1263A>C (p.Gln421His)

Gene: CTNNA1 (catenin alpha 1; plus strand). Cytogenetic location: 5q31.2.
Variant type: single nucleotide variant.
Coding change: c.1263A>C on transcript NM_001903.5 (MANE Select); coding-DNA position 1263, A replaced by C.
Protein change: p.Gln421His; replaces glutamine 421 with histidine.
Molecular consequence: missense variant. On other transcripts: 5 prime UTR variant (5), intron variant (2).
Genome position (GRCh38, 1-based): chr5:138,887,609, A>C. VCF-style: chr5-138887609-A-C. GRCh37 (hg19) VCF-style: chr5-138223298-A-C.
Other names: c.1263A>C, p.Gln421His (NM_001290307.3, NM_001323982.2, NM_001323983.1 and 3 more transcripts); c.954A>C, p.Gln318His (NM_001290309.3); c.894A>C, p.Gln298His (NM_001290310.3); c.153A>C, p.Gln51His (NM_001290312.1, NM_001323987.1, NM_001323988.1 and 18 more transcripts); c.-245A>C (NM_001324006.1, NM_001324007.1, NM_001324008.1 and 1 more transcripts); c.-120A>C (NM_001324013.1); c.-58+12012A>C (NM_001324012.1); c.-61+12012A>C (NM_001324010.1); short protein forms Q298H, Q318H, Q51H, Q421H.
Identifiers: ClinVar variation 1503834 (VCV001503834.8), dbSNP rs768184454, ClinGen allele CA361133203.